The following is an entry in ClinVar:

NM_000238.4(KCNH2):c.2221A>C (p.Lys741Gln)

Gene: KCNH2 (potassium voltage-gated channel subfamily H member 2; minus strand). Cytogenetic location: 7q36.1.
Variant type: single nucleotide variant.
Coding change: c.2221A>C on transcript NM_000238.4 (MANE Select); coding-DNA position 2221, A replaced by C.
Protein change: p.Lys741Gln; replaces lysine 741 with glutamine.
Molecular consequence: missense variant.
Genome position (GRCh38, 1-based): chr7:150,950,345, T>G on the plus strand (A>C on the coding strand, the complement: KCNH2 is on the minus strand). VCF-style: chr7-150950345-T-G. GRCh37 (hg19) VCF-style: chr7-150647433-T-G.
Other names: c.1201A>C, p.Lys401Gln (NM_001204798.2, NM_172057.3); c.1933A>C, p.Lys645Gln (NM_001406753.1, NM_001406756.1); c.2044A>C, p.Lys682Gln (NM_001406755.1); c.1921A>C, p.Lys641Gln (NM_001406757.1); c.2221A>C, p.Lys741Gln (NM_172056.3); short protein forms K401Q, K741Q, K641Q, K645Q, K682Q.
Identifiers: ClinVar variation 923298 (VCV000923298.11), dbSNP rs1801092981, ClinGen allele CA369856548.

ClinVar aggregate classification (germline): Uncertain significance. Review status: criteria provided, multiple submitters, no conflicts (2 of 4 stars). 2 submissions from 2 submitters: Uncertain significance (2). Last evaluated 2024-01-18.

Conditions:
Cardiac arrhythmia. Also called: Arrhythmia; Cardiac rhythm disease. Identifiers: MedGen C0003811, MONDO:0007263, HP:0011675.
Long QT syndrome (LQTS). Identifiers: MedGen C0023976, MeSH D008133, MONDO:0002442. Disease mechanism: loss of function. Inheritance: Various modes of inheritance.

Allele frequency attached by ClinVar (database versions not stated): gnomAD exomes 0.00001.

Submissions (2):

Labcorp Genetics (formerly Invitae), Labcorp
Classification: Uncertain significance for Long QT syndrome. Last evaluated: 2024-01-18. Review status: criteria provided, single submitter. Criteria: Invitae Variant Classification Sherloc (09022015). Collection method: clinical testing. Allele origin: germline.
Comment: This sequence change replaces lysine, which is basic and polar, with glutamine, which is neutral and polar, at codon 741 of the KCNH2 protein (p.Lys741Gln). This variant is not present in population databases (gnomAD no frequency). This variant has not been reported in the literature in individuals affected with KCNH2-related conditions. ClinVar contains an entry for this variant (Variation ID: 923298). An algorithm developed to predict the effect of missense changes on protein structure and function (PolyPhen-2) suggests that this variant is likely to be disruptive. In summary, the available evidence is currently insufficient to determine the role of this variant in disease. Therefore, it has been classified as a Variant of Uncertain Significance.

Color Diagnostics, LLC DBA Color Health
Classification: Uncertain significance for Cardiac arrhythmia. Last evaluated: 2023-12-05. Review status: criteria provided, single submitter. Criteria: ACMG Guidelines, 2015. Collection method: clinical testing. Allele origin: germline.
Comment: This missense variant replaces lysine with glutamine at codon 741 of the KCNH2 protein. Computational prediction tools and conservation analyses are inconclusive regarding the impact of this variant on the protein function. Computational splicing tools suggest that this variant may not impact RNA splicing. To our knowledge, functional assays have not been performed for this variant nor has this variant been reported in individuals affected with cardiovascular disorders in the literature. This variant has not been identified in the general population by the Genome Aggregation Database (gnomAD). Available evidence is insufficient to determine the role of this variant in disease conclusively. Therefore, this variant is classified as a Variant of Uncertain Significance.